The following is an entry in ClinVar:

NM_022124.6(CDH23):c.2729A>G (p.Tyr910Cys)

Gene: CDH23 (cadherin related 23; plus strand). Cytogenetic location: 10q22.1.
Variant type: single nucleotide variant.
Coding change: c.2729A>G on transcript NM_022124.6 (MANE Select); coding-DNA position 2729, A replaced by G.
Protein change: p.Tyr910Cys; replaces tyrosine 910 with cysteine.
Molecular consequence: missense variant.
Genome position (GRCh38, 1-based): chr10:71,702,690, A>G. VCF-style: chr10-71702690-A-G. GRCh37 (hg19) VCF-style: chr10-73462447-A-G.
Other names: c.2729A>G, p.Tyr910Cys (NM_001171930.2, NM_001171931.2); short protein forms Y910C.
Identifiers: ClinVar variation 424951 (VCV000424951.50), dbSNP rs557257494, ClinGen allele CA5544304.

ClinVar aggregate classification (germline): Uncertain significance. Review status: criteria provided, multiple submitters, no conflicts (2 of 4 stars). 3 submissions from 3 submitters: Uncertain significance (3). Last evaluated 2023-10-03.

Conditions:
Pituitary adenoma 5, multiple types. Identifiers: MedGen C4539685, MONDO:0054601, OMIM 617540.

Allele frequency attached by ClinVar (database versions not stated): gnomAD exomes 0.00001; ExAC 0.00002; gnomAD 0.00002 and 0.00003; TOPMed 0.00002; 1000 Genomes Project 30x 0.00016; 1000 Genomes Project 0.00020.
gnomAD v4.1: 21 of 1,613,650 alleles (0.0013%); highest among the groups gnomAD compares: Non-Finnish European, 0.0017%; no homozygotes.

Submissions (3):

Labcorp Genetics (formerly Invitae), Labcorp
Classification: Uncertain significance. Last evaluated: 2023-10-03. Review status: criteria provided, single submitter. Criteria: Invitae Variant Classification Sherloc (09022015). Collection method: clinical testing. Allele origin: germline.
Comment: This sequence change replaces tyrosine, which is neutral and polar, with cysteine, which is neutral and slightly polar, at codon 910 of the CDH23 protein (p.Tyr910Cys). This variant is present in population databases (rs557257494, gnomAD 0.003%). This variant has not been reported in the literature in individuals affected with CDH23-related conditions. ClinVar contains an entry for this variant (Variation ID: 424951). Advanced modeling of protein sequence and biophysical properties (such as structural, functional, and spatial information, amino acid conservation, physicochemical variation, residue mobility, and thermodynamic stability) performed at Invitae indicates that this missense variant is not expected to disrupt CDH23 protein function. In summary, the available evidence is currently insufficient to determine the role of this variant in disease. Therefore, it has been classified as a Variant of Uncertain Significance.

Centre for Mendelian Genomics, University Medical Centre Ljubljana
Classification: Uncertain significance for Pituitary adenoma 5, multiple types. Last evaluated: 2019-04-01. Review status: criteria provided, single submitter. Criteria: ACMG Guidelines, 2015. Collection method: clinical testing. Allele origin: unknown. Affected: yes.
Comment: This variant was classified as: Uncertain significance. The available evidence on this variant's pathogenicity is insufficient or conflicting. The following ACMG criteria were applied in classifying this variant: PM2.

CeGaT Center for Human Genetics Tuebingen
Classification: Uncertain significance. Last evaluated: 2016-12-01. Review status: criteria provided, single submitter. Criteria: CeGaT Center For Human Genetics Tuebingen Variant Classification Criteria Version 2. Collection method: clinical testing. Allele origin: germline. Affected: yes. Observed: 1 variant allele.